The following is an entry in ClinVar:

ClinVar aggregate classification (germline): Likely benign. Review status: criteria provided, multiple submitters, no conflicts (2 of 4 stars). 2 submissions from 2 submitters: Likely benign (2). Last evaluated 2025-11-21.

Conditions:
Carnitine palmitoyltransferase II deficiency. Also called: Carnitine Palmitoyltransferase 2 Deficiency. Identifiers: Orphanet 157, MedGen C0342790, MONDO:0015515.

Allele frequency attached by ClinVar (database versions not stated): gnomAD exomes below 0.00001 and 0.00001; ExAC 0.00001; TOPMed 0.00001.
gnomAD v4.1: 9 of 1,613,662 alleles (0.00056%); highest among the groups gnomAD compares: Non-Finnish European, 0.00076%; no homozygotes.

Submissions (2):

Mayo Clinic Laboratories, Mayo Clinic
Classification: Likely benign. Last evaluated: 2025-11-21. Review status: criteria provided, single submitter. Criteria: ACMG Guidelines, 2015. Collection method: clinical testing. Allele origin: germline. Observed: 1 variant allele.
Comment: BP4, BP7, PM2_supporting

Labcorp Genetics (formerly Invitae), Labcorp
Classification: Likely benign for Carnitine palmitoyltransferase II deficiency. Last evaluated: 2025-04-11. Review status: criteria provided, single submitter. Criteria: Invitae Variant Classification Sherloc (09022015). Collection method: clinical testing. Allele origin: germline.

NM_000098.3(CPT2):c.924T>C (p.Ser308=)

Gene: CPT2 (carnitine palmitoyltransferase 2; plus strand). Cytogenetic location: 1p32.3.
Variant type: single nucleotide variant.
Coding change: c.924T>C on transcript NM_000098.3 (MANE Select); coding-DNA position 924, T replaced by C.
Protein change: p.Ser308=; no amino-acid change (serine 308 retained).
Molecular consequence: synonymous variant.
Genome position (GRCh38, 1-based): chr1:53,210,598, T>C. VCF-style: chr1-53210598-T-C. GRCh37 (hg19) VCF-style: chr1-53676270-T-C.
Other names: p.Ser308=; c.924T>C, p.Ser308= (NM_001330589.2).
Identifiers: ClinVar variation 1569732 (VCV001569732.9), dbSNP rs756328565, ClinGen allele CA859082.